The following is an entry in ClinVar:

NM_001843.4(CNTN1):c.2297G>A (p.Arg766Gln)

Gene: CNTN1 (contactin 1; plus strand). Cytogenetic location: 12q12.
Variant type: single nucleotide variant.
Coding change: c.2297G>A on transcript NM_001843.4 (MANE Select); coding-DNA position 2297, G replaced by A.
Protein change: p.Arg766Gln; replaces arginine 766 with glutamine.
Molecular consequence: missense variant.
Genome position (GRCh38, 1-based): chr12:41,016,794, G>A. VCF-style: chr12-41016794-G-A. GRCh37 (hg19) VCF-style: chr12-41410596-G-A.
Other names: c.2264G>A, p.Arg755Gln (NM_175038.2); short protein forms R766Q, R755Q.
Identifiers: ClinVar variation 78996 (VCV000078996.9), dbSNP rs267603461, ClinGen allele CA6517102.

ClinVar aggregate classification (germline): Uncertain significance (1 of 4 stars; one submission).

Conditions:
Compton-North congenital myopathy (CMYO12). Identifiers: Orphanet 210163, MedGen C2675527, MONDO:0012929, OMIM 612540.

Allele frequency attached by ClinVar (database versions not stated): TOPMed 0.00002; ESP Exome Variant Server 0.00008.
gnomAD v4.1: 13 of 1,613,986 alleles (0.00081%); highest among the groups gnomAD compares: South Asian, 0.0033%; no homozygotes.

Submission:

Labcorp Genetics (formerly Invitae), Labcorp
Classification: Uncertain significance for Compton-North congenital myopathy. Last evaluated: 2020-01-24. Review status: criteria provided, single submitter. Criteria: Invitae Variant Classification Sherloc (09022015). Collection method: clinical testing. Allele origin: germline.
Comment: In summary, the available evidence is currently insufficient to determine the role of this variant in disease. Therefore, it has been classified as a Variant of Uncertain Significance. Algorithms developed to predict the effect of missense changes on protein structure and function are either unavailable or do not agree on the potential impact of this missense change (SIFT: "Tolerated"; PolyPhen-2: "Possibly Damaging"; Align-GVGD: "Class C0"). This variant has not been reported in the literature in individuals with CNTN1-related conditions. This variant is present in population databases (rs267603461, ExAC 0.001%). This sequence change replaces arginine with glutamine at codon 766 of the CNTN1 protein (p.Arg766Gln). The arginine residue is highly conserved and there is a small physicochemical difference between arginine and glutamine.